The following is an entry in ClinVar:

NM_000350.3(ABCA4):c.2378C>A (p.Ala793Asp)

Gene: ABCA4 (ATP binding cassette subfamily A member 4; minus strand). Cytogenetic location: 1p22.1.
Variant type: single nucleotide variant.
Coding change: c.2378C>A on transcript NM_000350.3 (MANE Select); coding-DNA position 2378, C replaced by A.
Protein change: p.Ala793Asp; replaces alanine 793 with aspartic acid.
Molecular consequence: missense variant.
Genome position (GRCh38, 1-based): chr1:94,056,605, G>T on the plus strand (C>A on the coding strand, the complement: ABCA4 is on the minus strand). VCF-style: chr1-94056605-G-T. GRCh37 (hg19) VCF-style: chr1-94522161-G-T.
Other names: short protein forms A793D.
Identifiers: ClinVar variation 1439875 (VCV001439875.7), dbSNP rs2101069562, ClinGen allele CA341277658.

ClinVar aggregate classification (germline): Uncertain significance (1 of 4 stars; one submission).

Submission:

Labcorp Genetics (formerly Invitae), Labcorp
Classification: Uncertain significance. Last evaluated: 2022-11-21. Review status: criteria provided, single submitter. Criteria: Invitae Variant Classification Sherloc (09022015). Collection method: clinical testing. Allele origin: germline.
Comment: This sequence change replaces alanine, which is neutral and non-polar, with aspartic acid, which is acidic and polar, at codon 793 of the ABCA4 protein (p.Ala793Asp). This variant is not present in population databases (gnomAD no frequency). This variant has not been reported in the literature in individuals affected with ABCA4-related conditions. ClinVar contains an entry for this variant (Variation ID: 1439875). Advanced modeling of protein sequence and biophysical properties (such as structural, functional, and spatial information, amino acid conservation, physicochemical variation, residue mobility, and thermodynamic stability) performed at Invitae indicates that this missense variant is expected to disrupt ABCA4 protein function. In summary, the available evidence is currently insufficient to determine the role of this variant in disease. Therefore, it has been classified as a Variant of Uncertain Significance.